The following is an entry in ClinVar:

ClinVar aggregate classification (germline): Likely benign (1 of 4 stars; one submission).

Conditions:
IFT52-related disorder. Also called: IFT52-related condition.

Submission:

PreventionGenetics, part of Exact Sciences
Classification: Likely benign for IFT52-related condition. Last evaluated: 2024-12-09. Review status: criteria provided, single submitter. Criteria: ACMG Guidelines, 2015. Collection method: clinical testing. Allele origin: germline.
Comment: This variant is classified as likely benign based on ACMG/AMP sequence variant interpretation guidelines (Richards et al. 2015 PMID: 25741868, with internal and published modifications).

NM_016004.5(IFT52):c.338-4A>G

Gene: IFT52 (intraflagellar transport 52; plus strand). Cytogenetic location: 20q13.12.
Variant type: single nucleotide variant.
Coding change: c.338-4A>G on transcript NM_016004.5 (MANE Select); 4 bases into the intron before coding-DNA position 338, A replaced by G.
Molecular consequence: intron variant.
Genome position (GRCh38, 1-based): chr20:43,604,179, A>G. VCF-style: chr20-43604179-A-G. GRCh37 (hg19) VCF-style: chr20-42232819-A-G.
Other names: c.-334-4A>G (NM_001323578.2, NM_001323580.2); c.-427-4A>G (NM_001323579.2, NM_001323581.2); c.338-4A>G (NM_001303458.3, NM_001303459.3).
Identifiers: ClinVar variation 5001051 (VCV005001051.1).
Genomic context (GRCh38, chr20:43,604,179, plus strand): 5'-TGAGTCTATAATATCGAATTTATTTCTAACCTAAAATATACCTCCTTCTCTTTTTCCCTC[A>G]TAGATGCTGTGGTTAGAAATGTATATCACAAATATTTCCATCCTAAAGAAGCTCTAGTTT-3'